The following is an entry in ClinVar:

ClinVar aggregate classification (germline): drug response. Review status: criteria provided, single submitter (1 of 4 stars). 2 submissions from 2 submitters: drug response (1). 1 of the submissions does not count toward it.

Conditions:
Permanent neonatal diabetes mellitus (PNDM). Identifiers: Orphanet 99885, MedGen C1833104, MONDO:0100164, MONDO:0011643. Disease mechanism: gain of function.
sulfonylureas response.

Submissions (2):

Clinical Genomics, Uppaluri K&H Personalized Medicine Clinic
Classification: drug response for sulfonylureas response. Review status: criteria provided, single submitter. Criteria: K & H Uppaluri Personalized Medicine Clinic Variant Classification & Assertion Criteria_Updated V.1. Collection method: research. Allele origin: somatic. Inheritance: Autosomal dominant inheritance. Affected: yes.
Comment: Mutations in KCNJ11 gene can cause decreased production and secretion of insulin. This can lead to MODY which may be responsive to oral sulfonylureas. However, this particular variant rs193929353 is associated with poor response to sulfonylureas.

poor response to sulfonylureas

GeneReviews
No classification provided. Condition: Permanent neonatal diabetes mellitus. Review status: no classification provided. Collection method: literature only. Allele origin: unknown. Not counted in ClinVar's aggregate classification.

Literature cited by the submitters: PubMed 20301620 (cited by GeneReviews); NCBI Bookshelf NBK1447 (cited by GeneReviews).

NM_000525.4(KCNJ11):c.886A>C (p.Ile296Leu)

Gene: KCNJ11 (potassium inwardly rectifying channel subfamily J member 11; minus strand). Cytogenetic location: 11p15.1.
Variant type: single nucleotide variant.
Coding change: c.886A>C on transcript NM_000525.4 (MANE Select); coding-DNA position 886, A replaced by C.
Protein change: p.Ile296Leu; replaces isoleucine 296 with leucine.
Molecular consequence: missense variant.
Genome position (GRCh38, 1-based): chr11:17,387,206, T>G on the plus strand (A>C on the coding strand, the complement: KCNJ11 is on the minus strand). VCF-style: chr11-17387206-T-G. GRCh37 (hg19) VCF-style: chr11-17408753-T-G.
Other names: c.625A>C, p.Ile209Leu (NM_001166290.2, NM_001377296.1, NM_001377297.1); short protein forms I296L, I209L.
Identifiers: ClinVar variation 21201 (VCV000021201.4), dbSNP rs193929353, ClinGen allele CA341728.